The following is an entry in ClinVar:

NM_000245.4(MET):c.1694T>G (p.Ile565Ser)

Gene: MET (MET proto-oncogene, receptor tyrosine kinase; plus strand). Cytogenetic location: 7q31.2.
Variant type: single nucleotide variant.
Coding change: c.1694T>G on transcript NM_000245.4 (MANE Select); coding-DNA position 1694, T replaced by G.
Protein change: p.Ile565Ser; replaces isoleucine 565 with serine.
Molecular consequence: missense variant.
Genome position (GRCh38, 1-based): chr7:116,741,018, T>G. VCF-style: chr7-116741018-T-G. GRCh37 (hg19) VCF-style: chr7-116381072-T-G.
Other names: c.1694T>G, p.Ile565Ser (NM_001127500.3, NM_001324401.3); c.404T>G, p.Ile135Ser (NM_001324402.2); short protein forms I565S, I135S.
Identifiers: ClinVar variation 1778208 (VCV001778208.3), dbSNP rs1584923517, ClinGen allele CA368975915.
Genomic context (GRCh38, chr7:116,741,018, plus strand): 5'-GTGTGCGATCGGAGGAATGCCTGAGCGGGACATGGACTCAACAGATCTGTCTGCCTGCAA[T>G]CTACAAGGTAGGAATCTCTAACAGCTGGCATACATGTTTTTGTTTGGTGTTTTTTTTTTT-3'
Protein context (NP_000236.2, residues 555-575): TWTQQICLPA[Ile565Ser]YKVFPNSAPL

ClinVar aggregate classification (germline): Uncertain significance (1 of 4 stars; one submission).

Conditions:
Hereditary cancer-predisposing syndrome. Also called: Neoplastic Syndromes, Hereditary; Tumor predisposition; Hereditary Cancer Syndrome; Hereditary neoplastic syndrome. Identifiers: Orphanet 140162, MedGen C0027672, MeSH D009386, MONDO:0015356.

Submission:

Ambry Genetics
Classification: Uncertain significance for Hereditary cancer-predisposing syndrome. Last evaluated: 2025-04-18. Review status: criteria provided, single submitter. Criteria: Ambry Variant Classification Scheme 2023. Collection method: clinical testing. Allele origin: germline.
Comment: The p.I565S variant (also known as c.1694T>G), located in coding exon 4 of the MET gene, results from a T to G substitution at nucleotide position 1694. The isoleucine at codon 565 is replaced by serine, an amino acid with dissimilar properties. This amino acid position is conserved. In addition, the in silico prediction for this alteration is inconclusive. Since supporting evidence is limited at this time, the clinical significance of this alteration remains unclear.